The following is an entry in ClinVar:

NM_001388303.1(HECTD4):c.2241A>G (p.Gly747=)

Gene: HECTD4 (HECT domain E3 ubiquitin protein ligase 4; minus strand). Cytogenetic location: 12q24.13.
Variant type: single nucleotide variant.
Coding change: c.2241A>G on transcript NM_001388303.1 (MANE Select); coding-DNA position 2241, A replaced by G.
Protein change: p.Gly747=; no amino-acid change (glycine 747 retained).
Molecular consequence: synonymous variant.
Genome position (GRCh38, 1-based): chr12:112,269,784, T>C on the plus strand (A>G on the coding strand, the complement: HECTD4 is on the minus strand). VCF-style: chr12-112269784-T-C. GRCh37 (hg19) VCF-style: chr12-112707588-T-C.
Other names: c.2241A>G, p.Gly747= (NM_001109662.4).
Identifiers: ClinVar variation 5041424 (VCV005041424.1).

ClinVar aggregate classification (germline): Likely benign (1 of 4 stars; one submission).

gnomAD v4.1: 10 of 1,613,962 alleles (0.00062%); highest among the groups gnomAD compares: Admixed American, 0.0083%; no homozygotes.

Submission:

CeGaT Center for Human Genetics Tuebingen
Classification: Likely benign. Last evaluated: 2026-09-01. Review status: criteria provided, single submitter. Criteria: CeGaT Center For Human Genetics Tuebingen Variant Classification Criteria Version 2. Collection method: clinical testing. Allele origin: germline. Affected: yes. Observed: 1 variant allele.
Comment: HECTD4: BP4, BP7